The following is an entry in ClinVar:

NM_000304.4(PMP22):c.212T>A (p.Leu71Gln)

Gene: PMP22 (peripheral myelin protein 22; minus strand). Cytogenetic location: 17p12.
Variant type: single nucleotide variant.
Coding change: c.212T>A on transcript NM_000304.4 (MANE Select); coding-DNA position 212, T replaced by A.
Protein change: p.Leu71Gln; replaces leucine 71 with glutamine.
Molecular consequence: missense variant. On other transcripts: non-coding transcript variant (2).
Genome position (GRCh38, 1-based): chr17:15,239,578, A>T on the plus strand (T>A on the coding strand, the complement: PMP22 is on the minus strand). VCF-style: chr17-15239578-A-T. GRCh37 (hg19) VCF-style: chr17-15142895-A-T.
Other names: c.212T>A, p.Leu71Gln (NM_001281455.2, NM_001281456.2, NM_001330143.2 and 2 more transcripts); short protein forms L71Q.
Identifiers: ClinVar variation 2728041 (VCV002728041.4), dbSNP rs940401899, ClinGen allele CA288098392.

ClinVar aggregate classification (germline): Uncertain significance. Review status: criteria provided, multiple submitters, no conflicts (2 of 4 stars). 2 submissions from 2 submitters: Uncertain significance (2). Last evaluated 2025-06-24.

Conditions:
Inborn genetic diseases. Identifiers: MedGen C0950123, MeSH D030342.
Charcot-Marie-Tooth disease, type I (CMT1). Also called: Charcot-Marie-Tooth, Type 1; Charcot-Marie-Tooth disease type 1. Identifiers: Orphanet 65753, MedGen C0751036, MONDO:0019011.

Allele frequency attached by ClinVar (database versions not stated): gnomAD exomes 0.00001; TOPMed 0.00001.
gnomAD v4.1: 5 of 1,613,910 alleles (0.00031%); highest among the groups gnomAD compares: Non-Finnish European, 0.00042%; no homozygotes.

Submissions (2):

Ambry Genetics
Classification: Uncertain significance for Inborn genetic diseases. Last evaluated: 2025-06-24. Review status: criteria provided, single submitter. Criteria: Ambry Variant Classification Scheme 2023. Collection method: clinical testing. Allele origin: germline.

Labcorp Genetics (formerly Invitae), Labcorp
Classification: Uncertain significance for Charcot-Marie-Tooth disease, type I. Last evaluated: 2023-02-17. Review status: criteria provided, single submitter. Criteria: Invitae Variant Classification Sherloc (09022015). Collection method: clinical testing. Allele origin: germline.
Comment: In summary, the available evidence is currently insufficient to determine the role of this variant in disease. Therefore, it has been classified as a Variant of Uncertain Significance. An algorithm developed to predict the effect of missense changes on protein structure and function (PolyPhen-2) suggests that this variant is likely to be disruptive. This variant has not been reported in the literature in individuals affected with PMP22-related conditions. This variant is present in population databases (no rsID available, gnomAD 0.0009%). This sequence change replaces leucine, which is neutral and non-polar, with glutamine, which is neutral and polar, at codon 71 of the PMP22 protein (p.Leu71Gln).